The following is an entry in ClinVar:

NM_000218.3(KCNQ1):c.1792_1793del (p.Lys598fs)

Gene: KCNQ1 (potassium voltage-gated channel subfamily Q member 1; plus strand). Cytogenetic location: 11p15.5.
Variant type: Deletion.
Coding change: c.1792_1793del on transcript NM_000218.3 (MANE Select); coding-DNA positions 1792 to 1793, 2 bases deleted (AA; older notation c.1792_1793delAA).
Protein change: p.Lys598fs; shifts the reading frame from lysine 598.
Molecular consequence: frameshift variant.
Genome position (GRCh38, 1-based): chr11:2,778,035-2,778,036, AA deleted. VCF-style (leftmost placement, unchanged base first): chr11-2778034-CAA-C. GRCh37 (hg19) VCF-style: chr11-2799264-CAA-C.
Other names: c.1696_1697delAA, p.Lys566Glyfs (NM_001406836.1); c.1522_1523delAA, p.Lys508Glyfs (NM_001406837.1); c.1252_1253delAA, p.Lys418Glyfs (NM_001406838.1); c.304_305delAA, p.Lys102Glyfs (NM_001406839.1); c.1411_1412delAA, p.Lys471Glyfs (NM_181798.2); short protein forms K471fs, K598fs.
Identifiers: ClinVar variation 1171410 (VCV001171410.10), dbSNP rs2133992401, ClinGen allele CA2499220875.

ClinVar aggregate classification (germline): Pathogenic/Likely pathogenic. Review status: criteria provided, multiple submitters, no conflicts (2 of 4 stars). 3 submissions from 3 submitters: Pathogenic (2); Likely pathogenic (1). Last evaluated 2025-07-08.

Conditions:
Long QT syndrome (LQTS). Identifiers: MedGen C0023976, MeSH D008133, MONDO:0002442. Disease mechanism: loss of function. Inheritance: Various modes of inheritance.
Cardiovascular phenotype. Identifiers: MedGen CN230736.
Cardiac arrhythmia. Also called: Arrhythmia; Cardiac rhythm disease. Identifiers: MedGen C0003811, MONDO:0007263, HP:0011675.

Submissions (3):

Labcorp Genetics (formerly Invitae), Labcorp
Classification: Pathogenic for Long QT syndrome. Last evaluated: 2025-07-08. Review status: criteria provided, single submitter. Criteria: Invitae Variant Classification Sherloc (09022015). Collection method: clinical testing. Allele origin: germline.
Comment: This sequence change creates a premature translational stop signal (p.Lys598Glyfs*53) in the KCNQ1 gene. While this is not anticipated to result in nonsense mediated decay, it is expected to disrupt the last 79 amino acid(s) of the KCNQ1 protein. This variant is not present in population databases (gnomAD no frequency). This premature translational stop signal has been observed in individual(s) with Long QT syndrome (PMID: 34505893). ClinVar contains an entry for this variant (Variation ID: 1171410). This variant disrupts a region of the KCNQ1 protein in which other variant(s) (p.Arg632Glnfs*20) have been determined to be pathogenic (PMID: 10024302, 16981927, 19825999, 23098067, 23631430, 25187895). This suggests that this is a clinically significant region of the protein, and that variants that disrupt it are likely to be disease-causing. For these reasons, this variant has been classified as Pathogenic.

Color Diagnostics, LLC DBA Color Health
Classification: Likely pathogenic for Cardiac arrhythmia. Last evaluated: 2020-10-13. Review status: criteria provided, single submitter. Criteria: ACMG Guidelines, 2015. Collection method: clinical testing. Allele origin: germline.
Comment: This variant deletes two nucleotides in exon 15 of the KCNQ1 gene, creating a frameshift in the penultimate exon. The mutant transcript is expected to escape nonsense-mediated decay and be expressed as a protein product containing an altered C-terminal sequence in the cytoplasmic coiled-coil domain (a.a. 588-622). The C-terminal cytoplasmic coiled-coil domain mediates tetramerization (PMID: 18165683, 19693805, 19825999) and formation of a functional channel (PMID: 10654932). This variant has not been reported in individuals affected with cardiovascular disorders in the literature. This variant has not been identified in the general population by the Genome Aggregation Database (gnomAD). Loss of KCNQ1 function is a known mechanism of disease. Based on the available evidence, this variant is classified as Likely Pathogenic

Ambry Genetics
Classification: Pathogenic for Cardiovascular phenotype. Last evaluated: 2016-06-21. Review status: criteria provided, single submitter. Criteria: Ambry Variant Classification Scheme 2023. Collection method: clinical testing. Allele origin: germline.
Comment: The c.1792_1793delAA pathogenic mutation, located in coding exon 15 of the KCNQ1 gene, results from a deletion of two nucleotides at nucleotide positions 1792 and 1793, causing a translational frameshift with a predicted alternate stop codon (p.K598Gfs*53). This alteration is expected to result in loss of function by premature protein truncation or nonsense-mediated mRNA decay. As such, this alteration is interpreted as a disease-causing mutation.

Literature cited by the submitters: PubMed 34505893 (cited by Labcorp Genetics (formerly Invitae), Labcorp); PubMed 10024302 (cited by Labcorp Genetics (formerly Invitae), Labcorp); PubMed 16981927 (cited by Labcorp Genetics (formerly Invitae), Labcorp); PubMed 19825999 (cited by Labcorp Genetics (formerly Invitae), Labcorp); PubMed 23098067 (cited by Labcorp Genetics (formerly Invitae), Labcorp); PubMed 23631430 (cited by Labcorp Genetics (formerly Invitae), Labcorp); PubMed 25187895 (cited by Labcorp Genetics (formerly Invitae), Labcorp).